The following is an entry in ClinVar:

ClinVar aggregate classification (germline): Likely benign. Review status: criteria provided, multiple submitters, no conflicts (2 of 4 stars). 3 submissions from 3 submitters: Likely benign (3). Last evaluated 2025-03-21.

Conditions:
Wilms tumor 1 (WT1). Also called: Wilms tumor, somatic. Identifiers: Orphanet 654, MedGen CN033288, MONDO:0008679, OMIM 194070.
Frasier syndrome. Identifiers: Orphanet 347, MedGen C0950122, MeSH D052159, MONDO:0007635, OMIM 136680.
11p partial monosomy syndrome (WAGR). Also called: WAGR Spectrum Disorder; WAGR Complex; WAGR syndrome; CHROMOSOME 11p13 DELETION SYNDROME. Identifiers: Orphanet 893, MedGen C0206115, MONDO:0008681, OMIM 194072.
Drash syndrome (DDS). Also called: WILMS TUMOR AND PSEUDO- OR TRUE HERMAPHRODITISM; NEPHROPATHY, WILMS TUMOR, AND GENITAL ANOMALIES. Identifiers: Orphanet 220, MedGen C0950121, MONDO:0008682, OMIM 194080.
Inborn genetic diseases. Identifiers: MedGen C0950123, MeSH D030342.

Allele frequency attached by ClinVar (database versions not stated): TOPMed below 0.00001; gnomAD 0.00001; gnomAD exomes 0.00002 and 0.00005.
gnomAD v4.1: 69 of 1,522,142 alleles (0.0045%); highest among the groups gnomAD compares: Non-Finnish European, 0.0059%; no homozygotes.

Submissions (3):

Ambry Genetics
Classification: Likely benign for Inborn genetic diseases. Last evaluated: 2025-03-21. Review status: criteria provided, single submitter. Criteria: Ambry Variant Classification Scheme 2023. Collection method: clinical testing. Allele origin: germline.

Labcorp Genetics (formerly Invitae), Labcorp
Classification: Likely benign for Wilms tumor 1; Drash syndrome; 11p partial monosomy syndrome; Frasier syndrome. Last evaluated: 2024-10-31. Review status: criteria provided, single submitter. Criteria: Invitae Variant Classification Sherloc (09022015). Collection method: clinical testing. Allele origin: germline.

All of Us Research Program, National Institutes of Health
Classification: Likely benign for Wilms tumor 1. Last evaluated: 2023-04-03. Review status: criteria provided, single submitter. Criteria: ACMG Guidelines, 2015. Collection method: clinical testing. Allele origin: germline. Inheritance: Autosomal dominant inheritance. Observed: 2 variant alleles, 2 heterozygotes.
Comment: This study involves interpretation of variants in research participants for the purpose of population health screening. Participant phenotype was not available at the time of variant classification. Additional details can be found in publication PMID: 35346344, PMCID: PMC8962531

NM_024426.6(WT1):c.186G>A (p.Arg62=)

Genes: WT1 (WT1 transcription factor; minus strand), LOC107982234 (WT1/WT1-AS bi-directional promoter region; plus strand). Cytogenetic location: 11p13.
Variant type: single nucleotide variant.
Coding change: c.186G>A on transcript NM_024426.6 (MANE Select); coding-DNA position 186, G replaced by A.
Protein change: p.Arg62=; no amino-acid change (arginine 62 retained).
Molecular consequence: synonymous variant. On other transcripts: non-coding transcript variant (1).
Genome position (GRCh38, 1-based): chr11:32,435,175, C>T on the plus strand (G>A on the coding strand, the complement: WT1 is on the minus strand). VCF-style: chr11-32435175-C-T. GRCh37 (hg19) VCF-style: chr11-32456721-C-T.
Other names: c.186G>A, p.Arg62= (NM_000378.6, NM_024424.5).
Identifiers: ClinVar variation 733569 (VCV000733569.10), dbSNP rs1294714508, ClinGen allele CA473774185.